The following is an entry in ClinVar:

NM_002971.6(SATB1):c.1588G>C (p.Glu530Gln)

Gene: SATB1 (SATB homeobox 1; minus strand). Cytogenetic location: 3p24.3.
Variant type: single nucleotide variant.
Coding change: c.1588G>C on transcript NM_002971.6 (MANE Select); coding-DNA position 1588, G replaced by C.
Protein change: p.Glu530Gln; replaces glutamic acid 530 with glutamine.
Molecular consequence: missense variant.
Genome position (GRCh38, 1-based): chr3:18,352,183, C>G on the plus strand (G>C on the coding strand, the complement: SATB1 is on the minus strand). VCF-style: chr3-18352183-C-G. GRCh37 (hg19) VCF-style: chr3-18393675-C-G.
Other names: c.1588G>C, p.Glu530Gln (NM_001131010.4, NM_001195470.3, NM_001322871.2 and 4 more transcripts); c.1372G>C, p.Glu458Gln (NM_001322876.2); short protein forms E458Q, E530Q.
Identifiers: ClinVar variation 4076607 (VCV004076607.1).

ClinVar aggregate classification (germline): Likely pathogenic (1 of 4 stars; one submission).

Submission:

GeneDx
Classification: Likely pathogenic. Last evaluated: 2025-02-20. Review status: criteria provided, single submitter. Criteria: GeneDx Variant Classification Process June 2021. Collection method: clinical testing. Allele origin: germline. Affected: yes.
Comment: Not observed at significant frequency in large population cohorts (gnomAD); In silico analysis indicates that this missense variant does not alter protein structure/function; This variant is associated with the following publications: (PMID: 33513338)